The following is an entry in ClinVar:

ClinVar aggregate classification (germline): Likely benign. Review status: criteria provided, multiple submitters, no conflicts (2 of 4 stars). 5 submissions from 5 submitters: Likely benign (5). Last evaluated 2025-11-25.

Conditions:
Frontometaphyseal dysplasia (FMD1). Identifiers: Orphanet 1826, MedGen C0265293, MONDO:0015942.
Melnick-Needles syndrome (MNS). Also called: Melnick-Needles Syndrome (FLNA-MNS); OSTEODYSPLASTY OF MELNICK AND NEEDLES; MELNICK-NEEDLES OSTEODYSPLASTY. Identifiers: Orphanet 2484, MedGen C0025237, MONDO:0010650, OMIM 309350.
Oto-palato-digital syndrome, type II (OPD2). Also called: Otopalatodigital Syndrome Type 2 (FLNA-OPD2); Otopalatodigital Syndrome, Type II; OPD II SYNDROME; FACIOPALATOOSSEOUS SYNDROME. Identifiers: Orphanet 669, Orphanet 90652, MedGen C1844696, MONDO:0010571, OMIM 304120.
Heterotopia, periventricular, X-linked dominant (PVNH1). Also called: PERIVENTRICULAR NODULAR HETEROTOPIA 4; HETEROTOPIA, PERIVENTRICULAR, 1; PERIVENTRICULAR NODULAR HETEROTOPIA 1; X-linked periventricular heterotopia. Identifiers: Orphanet 2149, Orphanet 82004, MedGen C1848213, MONDO:0010233, OMIM 300049.
Familial thoracic aortic aneurysm and aortic dissection (TAAD). Also called: Thoracic aortic aneurysms and dissections. Identifiers: Orphanet 91387, MedGen C4707243, MONDO:0019625.

Allele frequency attached by ClinVar (database versions not stated): TOPMed 0.00001; gnomAD 0.00003; gnomAD exomes 0.00004; ExAC 0.00007.
gnomAD v4.1: 11 of 1,209,716 alleles (0.00091%); highest among the groups gnomAD compares: Admixed American, 0.0044%; no homozygotes.

Submissions (5):

Labcorp Genetics (formerly Invitae), Labcorp
Classification: Likely benign for Oto-palato-digital syndrome, type II; Heterotopia, periventricular, X-linked dominant; Frontometaphyseal dysplasia; Melnick-Needles syndrome. Last evaluated: 2025-11-25. Review status: criteria provided, single submitter. Criteria: Invitae Variant Classification Sherloc (09022015). Collection method: clinical testing. Allele origin: germline.

CeGaT Center for Human Genetics Tuebingen
Classification: Likely benign. Last evaluated: 2025-11-01. Review status: criteria provided, single submitter. Criteria: CeGaT Center For Human Genetics Tuebingen Variant Classification Criteria Version 2. Collection method: clinical testing. Allele origin: germline. Affected: yes. Observed: 1 variant allele.
Comment: FLNA: BP4, BP7, BS2

Blueprint Genetics
Classification: Likely benign. Last evaluated: 2024-07-11. Review status: criteria provided, single submitter. Criteria: ACMG Guidelines, 2015. Collection method: clinical testing. Allele origin: germline.

Ambry Genetics
Classification: Likely benign for Familial thoracic aortic aneurysm and aortic dissection. Last evaluated: 2021-01-21. Review status: criteria provided, single submitter. Criteria: Ambry Variant Classification Scheme 2023. Collection method: clinical testing. Allele origin: germline.

GeneDx
Classification: Likely benign. Last evaluated: 2016-06-22. Review status: criteria provided, single submitter. Criteria: GeneDx Variant Classification (06012015). Collection method: clinical testing. Allele origin: germline. Affected: yes.
Comment: This variant is considered likely benign or benign based on one or more of the following criteria: it is a conservative change, it occurs at a poorly conserved position in the protein, it is predicted to be benign by multiple in silico algorithms, and/or has population frequency not consistent with disease.

NM_001110556.2(FLNA):c.7848G>C (p.Val2616=)

Genes: FLNA (filamin A; minus strand), LOC107988032 (Xq28 proximal FLNA-EMD recombination region; plus strand). Cytogenetic location: Xq28.
Variant type: single nucleotide variant.
Coding change: c.7848G>C on transcript NM_001110556.2 (MANE Select); coding-DNA position 7848, G replaced by C.
Protein change: p.Val2616=; no amino-acid change (valine 2616 retained).
Molecular consequence: synonymous variant.
Genome position (GRCh38, 1-based): chrX:154,348,945, C>G on the plus strand (G>C on the coding strand, the complement: FLNA is on the minus strand). VCF-style: chrX-154348945-C-G. GRCh37 (hg19) VCF-style: chrX-153577313-C-G.
Other names: c.7824G>C, p.Val2608= (NM_001456.4).
Identifiers: ClinVar variation 387163 (VCV000387163.15), dbSNP rs782691688, ClinGen allele CA10559816.